The following is an entry in ClinVar:

ClinVar aggregate classification (germline): Likely benign (1 of 4 stars; one submission).

Allele frequency attached by ClinVar (database versions not stated): gnomAD 0.02067 and 0.02319; TOPMed 0.02081; 1000 Genomes Project 0.04373; 1000 Genomes Project 30x 0.04482.
gnomAD v4.1: 18,408 of 1,022,582 alleles (1.8%); highest among the groups gnomAD compares: South Asian, 11%; 579 homozygotes.

Submission:

GeneDx
Classification: Likely benign. Last evaluated: 2018-06-14. Review status: criteria provided, single submitter. Criteria: GeneDx Variant Classification (06012015). Collection method: clinical testing. Allele origin: germline. Affected: yes.
Comment: This variant is considered likely benign or benign based on one or more of the following criteria: it is a conservative change, it occurs at a poorly conserved position in the protein, it is predicted to be benign by multiple in silico algorithms, and/or has population frequency not consistent with disease.

NM_000093.5(COL5A1):c.924+148G>C

Gene: COL5A1 (collagen type V alpha 1 chain; plus strand). Cytogenetic location: 9q34.3.
Variant type: single nucleotide variant.
Coding change: c.924+148G>C on transcript NM_000093.5 (MANE Select); 148 bases into the intron after coding-DNA position 924, G replaced by C.
Molecular consequence: intron variant.
Genome position (GRCh38, 1-based): chr9:134,728,955, G>C. VCF-style: chr9-134728955-G-C. GRCh37 (hg19) VCF-style: chr9-137620801-G-C.
Other names: c.924+148G>C (NM_001278074.1).
Identifiers: ClinVar variation 674320 (VCV000674320.1), dbSNP rs114738957, ClinGen allele CA201107391.